The following is an entry in ClinVar:

ClinVar aggregate classification (germline): Benign. Review status: criteria provided, multiple submitters, no conflicts (2 of 4 stars). 2 submissions from 2 submitters: Benign (2). Last evaluated 2018-01-13.

Conditions:
Emery-Dreifuss muscular dystrophy 5, autosomal dominant (EDMD5). Also called: EMERY-DREIFUSS MUSCULAR DYSTROPHY 5. Identifiers: Orphanet 261, MedGen C2751805, MONDO:0013072, OMIM 612999.

Allele frequency attached by ClinVar (database versions not stated): TOPMed 0.00677; gnomAD 0.00681; 1000 Genomes Project 0.00699; 1000 Genomes Project 30x 0.00718.
gnomAD v4.1: 1,666 of 1,298,326 alleles (0.13%); highest among the groups gnomAD compares: African/African-American, 2.1%; 17 homozygotes.

Submissions (2):

Illumina Laboratory Services, Illumina
Classification: Benign for Emery-Dreifuss muscular dystrophy 5, autosomal dominant. Last evaluated: 2018-01-13. Review status: criteria provided, single submitter. Criteria: ICSL Variant Classification Criteria 13 December 2019. Collection method: clinical testing. Allele origin: germline.
Comment: This variant was observed in the ICSL laboratory as part of a predisposition screen in an ostensibly healthy population. It had not been previously curated by ICSL or reported in the Human Gene Mutation Database (HGMD: prior to June 1st, 2018), and was therefore a candidate for classification through an automated scoring system. Utilizing variant allele frequency, disease prevalence and penetrance estimates, and inheritance mode, an automated score was calculated to assess if this variant is too frequent to cause the disease. Based on the score and internal cut-off values, a variant classified as benign is not then subjected to further curation. The score for this variant resulted in a classification of benign for this disease.

Breakthrough Genomics
Classification: Benign. Review status: criteria provided, single submitter. Criteria: ACMG Guidelines, 2015. Collection method: not provided. Allele origin: germline. Inheritance: Autosomal dominant inheritance. Affected: yes.

NM_182914.3(SYNE2):c.*103G>A

Gene: SYNE2 (spectrin repeat containing nuclear envelope protein 2; plus strand). Cytogenetic location: 14q23.2.
Variant type: single nucleotide variant.
Coding change: c.*103G>A on transcript NM_182914.3 (MANE Select); 103 bases downstream of the stop codon, G replaced by A.
Molecular consequence: 3 prime UTR variant.
Genome position (GRCh38, 1-based): chr14:64,225,629, G>A. VCF-style: chr14-64225629-G-A. GRCh37 (hg19) VCF-style: chr14-64692347-G-A.
Other names: c.*103G>A (NM_015180.6, NM_182910.2, NM_182913.4).
Identifiers: ClinVar variation 313672 (VCV000313672.6), dbSNP rs112904973, ClinGen allele CA10635058.
Genomic context (GRCh38, chr14:64,225,629, plus strand): 5'-CAAGGGTGCCCAGCACGTGGCCCCAGACCAATCTGAGTGACTTAGTGTTGGCAAGGTCCC[G>A]GGACCTGTGCAGACTTCTTCTGGGCTTACCCAGCACGGGCTCCCTGGAGCCCAGGGCAGC-3'